The following is an entry in ClinVar:

NM_000939.4(POMC):c.111C>G (p.Leu37=)

Gene: POMC (proopiomelanocortin; minus strand). Cytogenetic location: 2p23.3.
Variant type: single nucleotide variant.
Coding change: c.111C>G on transcript NM_000939.4 (MANE Select); coding-DNA position 111, C replaced by G.
Protein change: p.Leu37=; no amino-acid change (leucine 37 retained).
Molecular consequence: synonymous variant.
Genome position (GRCh38, 1-based): chr2:25,164,662, G>C on the plus strand (C>G on the coding strand, the complement: POMC is on the minus strand). VCF-style: chr2-25164662-G-C. GRCh37 (hg19) VCF-style: chr2-25387531-G-C.
Other names: c.111C>G, p.Leu37= (NM_001035256.3, NM_001319204.2, NM_001319205.2).
Identifiers: ClinVar variation 3358027 (VCV003358027.1).

ClinVar aggregate classification (germline): Likely benign (0 of 4 stars; one submission).

Conditions:
POMC-related disorder. Also called: POMC-related disorders; POMC-related condition.

gnomAD v4.1: 1 of 1,614,044 alleles (0.000062%); highest among the groups gnomAD compares: Non-Finnish European, 0.000085%; no homozygotes.

Submission:

PreventionGenetics, part of Exact Sciences
Classification: Likely benign for POMC-related condition. Last evaluated: 2021-03-02. Review status: no assertion criteria provided. Collection method: clinical testing. Allele origin: germline.
Comment: This variant is classified as likely benign based on ACMG/AMP sequence variant interpretation guidelines (Richards et al. 2015 PMID: 25741868, with internal and published modifications).